The following is an entry in ClinVar:

NM_000455.5(STK11):c.1243dup (p.Arg415fs)

Gene: STK11 (serine/threonine kinase 11; plus strand). Cytogenetic location: 19p13.3.
Variant type: Duplication.
Coding change: c.1243dup on transcript NM_000455.5 (MANE Select); coding-DNA position 1243, one base duplicated (C; older notation c.1243dupC).
Protein change: p.Arg415fs; shifts the reading frame from arginine 415.
Molecular consequence: frameshift variant. On other transcripts: non-coding transcript variant (1).
Genome position (GRCh38, 1-based): chr19:1,226,588, C duplicated; the last of 3 consecutive C bases (chr19:1,226,586-1,226,588); duplicating any one gives the same sequence. VCF-style (leftmost placement, unchanged base first): chr19-1226585-G-GC. GRCh37 (hg19) VCF-style: chr19-1226584-G-GC.
Other names: c.1243dupC (NM_000455.4); short protein forms R415fs.
Identifiers: ClinVar variation 5030313 (VCV005030313.1).

ClinVar aggregate classification (germline): Uncertain significance (1 of 4 stars; one submission).

Conditions:
Hereditary cancer-predisposing syndrome. Also called: Neoplastic Syndromes, Hereditary; Tumor predisposition; Hereditary neoplastic syndrome; Hereditary Cancer Syndrome. Identifiers: Orphanet 140162, MedGen C0027672, MeSH D009386, MONDO:0015356.

Submission:

Ambry Genetics
Classification: Uncertain significance for Hereditary cancer-predisposing syndrome. Last evaluated: 2026-07-06. Review status: criteria provided, single submitter. Criteria: Ambry Variant Classification Scheme 2023. Collection method: clinical testing. Allele origin: germline.
Comment: The c.1243dupC variant, located in coding exon 9 of the STK11 gene, results from a duplication of C at nucleotide position 1243, causing a translational frameshift with a predicted alternate stop codon (p.R415Pfs*189). This variant occurs at the 3' terminus of the gene, is not expected to trigger nonsense-mediated mRNAdecay and results in the elongation of the protein by 169 amino acids. This frameshift impacts the last 4.4% amino acids of the native protein. The exact functional effect of the altered amino acids is unknown. Based on the available evidence, the clinical significance of this variant remains unclear.